The following is an entry in ClinVar:

ClinVar aggregate classification (germline): Uncertain significance (1 of 4 stars; one submission).

gnomAD v4.1: 3 of 1,614,068 alleles (0.00019%); highest among the groups gnomAD compares: Non-Finnish European, 0.00025%; no homozygotes.

Submission:

Labcorp Genetics (formerly Invitae), Labcorp
Classification: Uncertain significance. Last evaluated: 2024-03-03. Review status: criteria provided, single submitter. Criteria: Invitae Variant Classification Sherloc (09022015). Collection method: clinical testing. Allele origin: germline.
Comment: This sequence change replaces lysine, which is basic and polar, with glutamic acid, which is acidic and polar, at codon 214 of the TNFRSF11B protein (p.Lys214Glu). This variant is present in population databases (rs761190753, gnomAD 0.002%). This variant has not been reported in the literature in individuals affected with TNFRSF11B-related conditions. Advanced modeling of protein sequence and biophysical properties (such as structural, functional, and spatial information, amino acid conservation, physicochemical variation, residue mobility, and thermodynamic stability) performed at Invitae indicates that this missense variant is not expected to disrupt TNFRSF11B protein function with a negative predictive value of 80%. In summary, the available evidence is currently insufficient to determine the role of this variant in disease. Therefore, it has been classified as a Variant of Uncertain Significance.

NM_002546.4(TNFRSF11B):c.640A>G (p.Lys214Glu)

Gene: TNFRSF11B (TNF receptor superfamily member 11b; minus strand). Cytogenetic location: 8q24.12.
Variant type: single nucleotide variant.
Coding change: c.640A>G on transcript NM_002546.4 (MANE Select); coding-DNA position 640, A replaced by G.
Protein change: p.Lys214Glu; replaces lysine 214 with glutamic acid.
Molecular consequence: missense variant.
Genome position (GRCh38, 1-based): chr8:118,926,671, T>C on the plus strand (A>G on the coding strand, the complement: TNFRSF11B is on the minus strand). VCF-style: chr8-118926671-T-C. GRCh37 (hg19) VCF-style: chr8-119938910-T-C.
Other names: short protein forms K214E.
Identifiers: ClinVar variation 3718244 (VCV003718244.2).